The following is an entry in ClinVar:

ClinVar aggregate classification (germline): Pathogenic. Review status: criteria provided, single submitter (1 of 4 stars). 2 submissions from 2 submitters: Pathogenic (1). 1 of the submissions does not count toward it. Last evaluated 2021-12-20.

Conditions:
Primary erythromelalgia. Also called: SCN9A Erythromelalgia (SCN9A-EM); primary erythermalgia. Identifiers: Orphanet 306577, Orphanet 90026, MedGen C0014805, MONDO:0007571, OMIM 133020.
Neuropathy, hereditary sensory and autonomic, type 2A (HSAN2A). Also called: ACROOSTEOLYSIS, GIACCAI TYPE; ACROOSTEOLYSIS, NEUROGENIC; WNK1-Related HSAN2 (HSAN2A); MORVAN DISEASE; NEUROPATHY, CONGENITAL SENSORY; NEUROPATHY, HEREDITARY SENSORY RADICULAR, AUTOSOMAL RECESSIVE. Identifiers: Orphanet 970, MedGen C2752089, MONDO:0024309, OMIM 201300.
Generalized epilepsy with febrile seizures plus, type 7 (GEFSP7). Also called: GEFS+, TYPE 7. Identifiers: Orphanet 36387, MedGen C2751778, MONDO:0013470, OMIM 613863.

Submissions (2):

Labcorp Genetics (formerly Invitae), Labcorp
Classification: Pathogenic for Neuropathy, hereditary sensory and autonomic, type 2A; Generalized epilepsy with febrile seizures plus, type 7. Last evaluated: 2021-12-20. Review status: criteria provided, single submitter. Criteria: Invitae Variant Classification Sherloc (09022015). Collection method: clinical testing. Allele origin: germline.
Comment: ClinVar contains an entry for this variant (Variation ID: 915877). For these reasons, this variant has been classified as Pathogenic. Experimental studies have shown that this missense change affects SCN9A function (PMID: 20385509). Algorithms developed to predict the effect of missense changes on protein structure and function are either unavailable or do not agree on the potential impact of this missense change (SIFT: "Deleterious"; PolyPhen-2: "Probably Damaging"; Align-GVGD: "Class C0"). This missense change has been observed in individual(s) with clinical features of autosomal dominant primary erythromelalgia and/or small fiber neuropathy (PMID: 20385509, 23893323; Invitae). In at least one individual the variant was observed to be de novo. This variant is not present in population databases (gnomAD no frequency). This sequence change replaces isoleucine, which is neutral and non-polar, with threonine, which is neutral and polar, at codon 234 of the SCN9A protein (p.Ile234Thr).

GeneReviews
No classification provided. Condition: Primary erythromelalgia. Review status: no classification provided. Collection method: literature only. Allele origin: germline. Not counted in ClinVar's aggregate classification.

Literature cited by the submitters: PubMed 20385509 (cited by Labcorp Genetics (formerly Invitae), Labcorp); PubMed 23893323 (cited by Labcorp Genetics (formerly Invitae), Labcorp); PubMed 29379075 (cited by GeneReviews); PubMed 28658526 (cited by GeneReviews); PubMed 20301342 (cited by GeneReviews).

NM_001365536.1(SCN9A):c.701T>C (p.Ile234Thr)

Gene: SCN9A (sodium voltage-gated channel alpha subunit 9; minus strand). Cytogenetic location: 2q24.3.
Variant type: single nucleotide variant.
Coding change: c.701T>C on transcript NM_001365536.1 (MANE Select); coding-DNA position 701, T replaced by C.
Protein change: p.Ile234Thr; replaces isoleucine 234 with threonine.
Molecular consequence: missense variant.
Genome position (GRCh38, 1-based): chr2:166,303,290, A>G on the plus strand (T>C on the coding strand, the complement: SCN9A is on the minus strand). VCF-style: chr2-166303290-A-G. GRCh37 (hg19) VCF-style: chr2-167159800-A-G.
Other names: c.701T>C, p.Ile234Thr (NM_002977.4); short protein forms I234T.
Identifiers: ClinVar variation 915877 (VCV000915877.7), dbSNP rs1698638581, ClinGen allele CA349093253.
Genomic context (GRCh38, chr2:166,303,290, plus strand): 5'-AACACAGTCAGGATCATGACATCAGAAAGCTTCTTCACTGACTGGATCAAAGCCCCTACA[A>G]TTGTCTTCAGGCCTGAAAATGGGAGAAAAAAGTGTTTGTAATGACATAAAGCCTCTGAAT-3'
Protein context (NP_001352465.1, residues 224-244): TISVIPGLKT[Ile234Thr]VGALIQSVKK